The following is an entry in ClinVar:

NM_000337.6(SGCD):c.193-17T>G

Gene: SGCD (sarcoglycan delta; plus strand). Cytogenetic location: 5q33.3.
Variant type: single nucleotide variant.
Coding change: c.193-17T>G on transcript NM_000337.6 (MANE Select); 17 bases into the intron before coding-DNA position 193, T replaced by G.
Molecular consequence: intron variant.
Genome position (GRCh38, 1-based): chr5:156,508,584, T>G. VCF-style: chr5-156508584-T-G. GRCh37 (hg19) VCF-style: chr5-155935594-T-G.
Other names: c.190-17T>G (NM_001128209.2); c.193-17T>G (NM_172244.3).
Identifiers: ClinVar variation 378575 (VCV000378575.10), dbSNP rs201079829, ClinGen allele CA3530532.

ClinVar aggregate classification (germline): Likely benign. Review status: criteria provided, multiple submitters, no conflicts (2 of 4 stars). 5 submissions from 4 submitters: Likely benign (5). Last evaluated 2026-01-15.

Conditions:
Autosomal recessive limb-girdle muscular dystrophy type 2F (LGMDR6). Also called: MUSCULAR DYSTROPHY, LIMB-GIRDLE, AUTOSOMAL RECESSIVE 6; Muscular dystrophy limb-girdle with delta-sarcoglyan deficiency. Identifiers: Orphanet 219, MedGen C1832525, MONDO:0011028, OMIM 601287. Disease mechanism: Affects gamma-sarcoglycan and also disrupts the integrity of the entire sarcoglycan complex..
Dilated cardiomyopathy 1L (CMD1L). Identifiers: Orphanet 154, MedGen C1847667, MONDO:0011702, OMIM 606685.

Allele frequency attached by ClinVar (database versions not stated): gnomAD exomes 0.00003 and 0.00005; ExAC 0.00008; 1000 Genomes Project 30x 0.00016; 1000 Genomes Project 0.00020; ESP Exome Variant Server 0.00025; gnomAD 0.00025 and 0.00027; TOPMed 0.00033.
gnomAD v4.1: 94 of 1,516,224 alleles (0.0062%); highest among the groups gnomAD compares: African/African-American, 0.1%; no homozygotes.

Submissions (5):

Labcorp Genetics (formerly Invitae), Labcorp
Classification: Likely benign for Autosomal recessive limb-girdle muscular dystrophy type 2F. Last evaluated: 2026-01-15. Review status: criteria provided, single submitter. Criteria: Invitae Variant Classification Sherloc (09022015). Collection method: clinical testing. Allele origin: germline.

Blueprint Genetics
Classification: Likely benign. Last evaluated: 2024-06-24. Review status: criteria provided, single submitter. Criteria: ACMG Guidelines, 2015. Collection method: clinical testing. Allele origin: germline.

Genome-Nilou Lab
Classification: Likely benign for Autosomal recessive limb-girdle muscular dystrophy type 2F. Last evaluated: 2023-02-08. Review status: criteria provided, single submitter. Criteria: ACMG Guidelines, 2015. Collection method: clinical testing. Allele origin: germline.

Genome-Nilou Lab
Classification: Likely benign for Dilated cardiomyopathy 1L. Last evaluated: 2023-02-08. Review status: criteria provided, single submitter. Criteria: ACMG Guidelines, 2015. Collection method: clinical testing. Allele origin: germline.

GeneDx
Classification: Likely benign. Last evaluated: 2017-06-14. Review status: criteria provided, single submitter. Criteria: GeneDx Variant Classification (06012015). Collection method: clinical testing. Allele origin: germline. Affected: yes.
Comment: This variant is considered likely benign or benign based on one or more of the following criteria: it is a conservative change, it occurs at a poorly conserved position in the protein, it is predicted to be benign by multiple in silico algorithms, and/or has population frequency not consistent with disease.